The following is an entry in ClinVar:

ClinVar aggregate classification (germline): Likely pathogenic (1 of 4 stars; one submission).

Conditions:
Renal cysts and diabetes syndrome (RCAD). Also called: Familial hypoplastic, glomerulocystic kidney; MATURITY-ONSET DIABETES OF THE YOUNG, TYPE 5. Identifiers: Orphanet 93111, MedGen C0431693, MONDO:0007669, OMIM 137920.

Allele frequency attached by ClinVar (database versions not stated): gnomAD exomes below 0.00001.
gnomAD v4.1: 1 of 1,613,706 alleles (0.000062%); highest among the groups gnomAD compares: South Asian, 0.0011%; no homozygotes.

Submission:

Institute of Human Genetics, FAU Erlangen, Friedrich-Alexander-Universität Erlangen-Nürnberg
Classification: Likely pathogenic for Renal cysts and diabetes syndrome. Last evaluated: 2019-07-06. Review status: criteria provided, single submitter. Criteria: ACMG Guidelines, 2015. Collection method: literature only. Allele origin: germline. Affected: yes.
Comment: This variant and it's classification has been reported by Vasileiou et al. 2019; DOI:10.1101/576918. The variants has previously been reported in PMID:28502589 as "c.1007A > G (p.H336R)" with clinical significance Pathogenic. It has been re-classified using InterVar and manual curation as Likely pathogenic based on PM1 PM2 PP1 PP3 PP5.

Literature cited by the submitters: PubMed 28502589; DOI 10.1101/576918.

NM_000458.4(HNF1B):c.1007A>G (p.His336Arg)

Gene: HNF1B (HNF1 homeobox B; minus strand). Cytogenetic location: 17q12.
Variant type: single nucleotide variant.
Coding change: c.1007A>G on transcript NM_000458.4 (MANE Select); coding-DNA position 1007, A replaced by G.
Protein change: p.His336Arg; replaces histidine 336 with arginine.
Molecular consequence: missense variant.
Genome position (GRCh38, 1-based): chr17:37,731,633, T>C on the plus strand (A>G on the coding strand, the complement: HNF1B is on the minus strand). VCF-style: chr17-37731633-T-C. GRCh37 (hg19) VCF-style: chr17-36091624-T-C.
Other names: c.929A>G, p.His310Arg (NM_001165923.4, NM_001304286.2); short protein forms H336R, H310R.
Identifiers: ClinVar variation 635615 (VCV000635615.1), dbSNP rs2511800400, ClinGen allele CA398746154.